The following is an entry in ClinVar:

ClinVar aggregate classification (germline): Uncertain significance (1 of 4 stars; one submission).

gnomAD v4.1: 17 of 1,613,930 alleles (0.0011%); highest among the groups gnomAD compares: East Asian, 0.0089%; no homozygotes.

Submission:

GeneDx
Classification: Uncertain significance. Last evaluated: 2024-01-07. Review status: criteria provided, single submitter. Criteria: GeneDx Variant Classification Process June 2021. Collection method: clinical testing. Allele origin: germline. Affected: yes.
Comment: Nonsense variant predicted to result in protein truncation as the last 33 amino acids are lost, although loss-of-function variants have not been reported downstream of this position in the protein; Has not been previously published as pathogenic or benign to our knowledge

NM_153332.4(ERI1):c.949C>T (p.Arg317Ter)

Gene: ERI1 (exoribonuclease 1). Cytogenetic location: 8p23.1.
Variant type: single nucleotide variant.
Coding change: c.949C>T on transcript NM_153332.4 (MANE Select); coding-DNA position 949, C replaced by T.
Protein change: p.Arg317Ter; replaces arginine 317 with a stop codon.
Molecular consequence: nonsense. On other transcripts: intron variant (1).
Genome position (GRCh38, 1-based): chr8:9,029,933, C>T. VCF-style: chr8-9029933-C-T. GRCh37 (hg19) VCF-style: chr8-8887443-C-T.
Other names: c.715C>T, p.Arg239Ter (NM_001354635.2); c.604C>T, p.Arg202Ter (NM_001354636.2); c.807+9469C>T (NM_001354638.2); short protein forms R202*, R239*, R317*.
Identifiers: ClinVar variation 3367550 (VCV003367550.1).